The following is an entry in ClinVar:

NM_015072.5(TTLL5):c.1289G>A (p.Arg430His)

Gene: TTLL5 (tubulin tyrosine ligase like 5; plus strand). Cytogenetic location: 14q24.3.
Variant type: single nucleotide variant.
Coding change: c.1289G>A on transcript NM_015072.5 (MANE Select); coding-DNA position 1289, G replaced by A.
Protein change: p.Arg430His; replaces arginine 430 with histidine.
Molecular consequence: missense variant.
Genome position (GRCh38, 1-based): chr14:75,745,102, G>A. VCF-style: chr14-75745102-G-A. GRCh37 (hg19) VCF-style: chr14-76211445-G-A.
Other names: short protein forms R430H.
Identifiers: ClinVar variation 1052781 (VCV001052781.7), dbSNP rs757963244, ClinGen allele CA7279339.

ClinVar aggregate classification (germline): Uncertain significance. Review status: criteria provided, multiple submitters, no conflicts (2 of 4 stars). 2 submissions from 2 submitters: Uncertain significance (2). Last evaluated 2023-08-17.

Allele frequency attached by ClinVar (database versions not stated): gnomAD 0.00007 and 0.00008; TOPMed 0.00009.

Submissions (2):

Labcorp Genetics (formerly Invitae), Labcorp
Classification: Uncertain significance. Last evaluated: 2023-08-17. Review status: criteria provided, single submitter. Criteria: Invitae Variant Classification Sherloc (09022015). Collection method: clinical testing. Allele origin: germline.
Comment: In summary, the available evidence is currently insufficient to determine the role of this variant in disease. Therefore, it has been classified as a Variant of Uncertain Significance. Advanced modeling of protein sequence and biophysical properties (such as structural, functional, and spatial information, amino acid conservation, physicochemical variation, residue mobility, and thermodynamic stability) performed at Invitae indicates that this missense variant is not expected to disrupt TTLL5 protein function. ClinVar contains an entry for this variant (Variation ID: 1052781). This variant has not been reported in the literature in individuals affected with TTLL5-related conditions. This variant is present in population databases (rs757963244, gnomAD 0.2%). This sequence change replaces arginine, which is basic and polar, with histidine, which is basic and polar, at codon 430 of the TTLL5 protein (p.Arg430His).

Blueprint Genetics
Classification: Uncertain significance. Last evaluated: 2022-03-24. Review status: criteria provided, single submitter. Criteria: ACMG Guidelines, 2015. Collection method: clinical testing. Allele origin: germline.